The following is an entry in ClinVar:

NM_000152.5(GAA):c.1375G>C (p.Asp459His)

Gene: GAA (alpha glucosidase; plus strand). Cytogenetic location: 17q25.3.
Variant type: single nucleotide variant.
Coding change: c.1375G>C on transcript NM_000152.5 (MANE Select); coding-DNA position 1375, G replaced by C.
Protein change: p.Asp459His; replaces aspartic acid 459 with histidine.
Molecular consequence: missense variant.
Genome position (GRCh38, 1-based): chr17:80,109,993, G>C. VCF-style: chr17-80109993-G-C. GRCh37 (hg19) VCF-style: chr17-78083792-G-C.
Other names: c.1375G>C (LRG_673t1, NM_000152.4); c.1375G>C, p.Asp459His (NM_001079803.3, NM_001079804.3); short protein forms D459H.
Identifiers: ClinVar variation 497673 (VCV000497673.22), dbSNP rs535644999, ClinGen allele CA294893978.

ClinVar aggregate classification (germline): Conflicting classifications of pathogenicity. Review status: criteria provided, conflicting classifications (1 of 4 stars). 7 submissions from 7 submitters: Pathogenic (1); Likely pathogenic (1); Uncertain significance (4). 1 of the submissions does not count toward it. Last evaluated 2026-07-01.

Conditions:
Glycogen storage disease, type II (IOPD). Also called: Glycogen storage disease type 2; Acid maltase deficiency disease; Aglucosidase alfa; Deficiency of alpha-glucosidase; Deficiency of lysosomal alpha-glucosidase; Glucosidase acid-1,4-alpha deficiency. Identifiers: Orphanet 365, MedGen C0017921, MONDO:0009290, OMIM 232300.

gnomAD v4.1: 31 of 1,613,198 alleles (0.0019%); highest among the groups gnomAD compares: Non-Finnish European, 0.0024%; no homozygotes.

Submissions (7):

Genomenon, Inc
Classification: Uncertain significance for Glycogen storage disease, type II. Last evaluated: 2026-07-01. Review status: criteria provided, single submitter. Criteria: Genomenon Sequence Variant Interpretation Standards - Updated. Collection method: curation. Allele origin: germline. Affected: no.
Comment: GAA p.Asp459His (c.1375G>C) is a missense variant that changes the amino acid at codon 459 from Aspartic acid to Histidine. This variant has been reported in the published literature (PMID:33073003). It is absent or not present at a significant frequency in gnomAD. In conclusion, we classify GAA p.Asp459His (c.1375G>C) as a variant of uncertain significance.

Myriad Genetics, Inc.
Classification: Uncertain significance for Glycogen storage disease, type II. Last evaluated: 2026-03-16. Review status: criteria provided, single submitter. Criteria: Myriad Autosomal Dominant, Autosomal Recessive and X-Linked Classification Criteria (2023). Collection method: clinical testing. Allele origin: unknown.
Comment: NM_000152.3(GAA):c.1375G>C(D459H) is a missense variant classified as a variant of uncertain significance in the context of Pompe disease. D459H has been observed in cases with relevant disease (PMID: 33073003, Langanecha_2023_(Abstract)). Relevant functional assessments of this variant are not available in the literature. D459H has been observed in referenced population frequency databases. In summary, there is insufficient evidence to classify NM_000152.3(GAA):c.1375G>C(D459H) as pathogenic or benign. Please note: this variant was assessed in the context of healthy population screening.

Labcorp Genetics (formerly Invitae), Labcorp
Classification: Pathogenic for Glycogen storage disease, type II. Last evaluated: 2026-01-05. Review status: criteria provided, single submitter. Criteria: Invitae Variant Classification Sherloc (09022015). Collection method: clinical testing. Allele origin: germline.
Comment: This sequence change replaces aspartic acid, which is acidic and polar, with histidine, which is basic and polar, at codon 459 of the GAA protein (p.Asp459His). This variant is present in population databases (no rsID available, gnomAD 0.007%). This missense change has been observed in individual(s) with Pompe disease (internal data). ClinVar contains an entry for this variant (Variation ID: 497673). Invitae Evidence Modeling of protein sequence and biophysical properties (such as structural, functional, and spatial information, amino acid conservation, physicochemical variation, residue mobility, and thermodynamic stability) indicates that this missense variant is expected to disrupt GAA protein function with a positive predictive value of 95%. This variant disrupts the p.Asp459 amino acid residue in GAA. Other variant(s) that disrupt this residue have been determined to be pathogenic (PMID: 18458862, 21484825, 21757382). This suggests that this residue is clinically significant, and that variants that disrupt this residue are likely to be disease-causing. For these reasons, this variant has been classified as Pathogenic.

Women's Health and Genetics/Laboratory Corporation of America, LabCorp
Classification: Likely pathogenic for Glycogen storage disease, type II. Last evaluated: 2025-08-25. Review status: criteria provided, single submitter. Criteria: LabCorp Variant Classification Summary - May 2015. Collection method: clinical testing. Allele origin: germline.
Comment: Variant summary: GAA c.1375G>C (p.Asp459His) results in a non-conservative amino acid change in the encoded protein sequence. Algorithms developed to predict the effect of missense changes on protein structure and function all suggest that this variant is likely to be disruptive. The variant allele was found at a frequency of 8e-06 in 250268 control chromosomes. c.1375G>C has been observed in the presumed compound heterozygous state in at least 2 individual(s) affected with Glycogen Storage Disease, Type 2 (Pompe Disease) (Burton_2020, Labcorp Genetics (formerly Invitae) internal data). These data indicate that the variant is likely to be associated with disease. To our knowledge, no experimental evidence demonstrating an impact on protein function has been reported. The following publications have been ascertained in the context of this evaluation (PMID: 33073003, 29681454, 23033341). ClinVar contains an entry for this variant (Variation ID: 497673). Based on the evidence outlined above, the variant was classified as likely pathogenic.

Genome-Nilou Lab
Classification: Uncertain significance for Glycogen storage disease, type II. Last evaluated: 2021-09-05. Review status: criteria provided, single submitter. Criteria: ACMG Guidelines, 2015. Collection method: clinical testing. Allele origin: germline. Affected: no.

Eurofins Ntd Llc (ga)
Classification: Uncertain significance. Last evaluated: 2016-10-10. Review status: criteria provided, single submitter. Criteria: EGL Classification Definitions 2015. Collection method: clinical testing. Allele origin: germline. Observed: 1 variant allele, 1 heterozygote.

Natera, Inc.
Classification: Uncertain significance for Glycogen storage disease type II. Last evaluated: 2020-09-16. Review status: no assertion criteria provided. Collection method: clinical testing. Allele origin: germline. Not counted in ClinVar's aggregate classification.

Literature cited by the submitters: PubMed 33073003 (cited by Genomenon, Inc and Women's Health and Genetics/Laboratory Corporation of America, LabCorp); PubMed 18458862 (cited by Labcorp Genetics (formerly Invitae), Labcorp); PubMed 21484825 (cited by Labcorp Genetics (formerly Invitae), Labcorp); PubMed 21757382 (cited by Labcorp Genetics (formerly Invitae), Labcorp); PubMed 23033341 (cited by Women's Health and Genetics/Laboratory Corporation of America, LabCorp); PubMed 29681454 (cited by Women's Health and Genetics/Laboratory Corporation of America, LabCorp).